The following is an entry in ClinVar:

ClinVar aggregate classification (germline): Uncertain significance. Review status: criteria provided, multiple submitters, no conflicts (2 of 4 stars). 2 submissions from 2 submitters: Uncertain significance (2). Last evaluated 2024-04-22.

Conditions:
DICER1-related tumor predisposition. Also called: DICER1 syndrome; DICER1-related pleuropulmonary blastoma cancer predisposition syndrome. Identifiers: Orphanet 284343, MedGen C3839822, MONDO:0100216.
Hereditary cancer-predisposing syndrome. Also called: Hereditary neoplastic syndrome; Tumor predisposition; Neoplastic Syndromes, Hereditary; Hereditary Cancer Syndrome. Identifiers: Orphanet 140162, MedGen C0027672, MeSH D009386, MONDO:0015356.

Submissions (2):

Labcorp Genetics (formerly Invitae), Labcorp
Classification: Uncertain significance for DICER1-related tumor predisposition. Last evaluated: 2024-04-22. Review status: criteria provided, single submitter. Criteria: Invitae Variant Classification Sherloc (09022015). Collection method: clinical testing. Allele origin: germline.
Comment: This sequence change replaces alanine, which is neutral and non-polar, with glycine, which is neutral and non-polar, at codon 1623 of the DICER1 protein (p.Ala1623Gly). This variant is not present in population databases (gnomAD no frequency). This variant has not been reported in the literature in individuals affected with DICER1-related conditions. ClinVar contains an entry for this variant (Variation ID: 961486). An algorithm developed to predict the effect of missense changes on protein structure and function (PolyPhen-2) suggests that this variant is likely to be tolerated. In summary, the available evidence is currently insufficient to determine the role of this variant in disease. Therefore, it has been classified as a Variant of Uncertain Significance.

Ambry Genetics
Classification: Uncertain significance for Hereditary cancer-predisposing syndrome. Last evaluated: 2023-02-16. Review status: criteria provided, single submitter. Criteria: Ambry Variant Classification Scheme 2023. Collection method: clinical testing. Allele origin: germline.
Comment: The p.A1623G variant (also known as c.4868C>G), located in coding exon 22 of the DICER1 gene, results from a C to G substitution at nucleotide position 4868. The alanine at codon 1623 is replaced by glycine, an amino acid with similar properties. This amino acid position is poorly conserved in available vertebrate species. In addition, this alteration is predicted to be tolerated by in silico analysis. Since supporting evidence is limited at this time, the clinical significance of this alteration remains unclear.

NM_177438.3(DICER1):c.4868C>G (p.Ala1623Gly)

Gene: DICER1 (dicer 1, ribonuclease III; minus strand). Cytogenetic location: 14q32.13.
Variant type: single nucleotide variant.
Coding change: c.4868C>G on transcript NM_177438.3 (MANE Select); coding-DNA position 4868, C replaced by G.
Protein change: p.Ala1623Gly; replaces alanine 1623 with glycine.
Molecular consequence: missense variant.
Genome position (GRCh38, 1-based): chr14:95,096,052, G>C on the plus strand (C>G on the coding strand, the complement: DICER1 is on the minus strand). VCF-style: chr14-95096052-G-C. GRCh37 (hg19) VCF-style: chr14-95562389-G-C.
Other names: c.4868C>G, p.Ala1623Gly (NM_001195573.1, NM_001271282.3, NM_001291628.2 and 1 more transcripts); short protein forms A1623G.
Identifiers: ClinVar variation 961486 (VCV000961486.12), dbSNP rs1890291633, ClinGen allele CA390866615.